The following is an entry in ClinVar:

ClinVar aggregate classification (germline): Benign. Review status: criteria provided, multiple submitters, no conflicts (2 of 4 stars). 8 submissions from 8 submitters: Benign (7). 1 of the submissions does not count toward it. Last evaluated 2026-02-04.

Conditions:
Methylmalonic acidemia with homocystinuria, type cblX (MAHCX). Also called: INTELLECTUAL DEVELOPMENTAL DISORDER, X-LINKED 3. Identifiers: Orphanet 369962, MedGen C0796208, MONDO:0010657, OMIM 309541.

Allele frequency attached by ClinVar (database versions not stated): ESP Exome Variant Server 0.36361; ExAC 0.37373; gnomAD 0.37791 and 0.38477; 1000 Genomes Project 0.58517; gnomAD exomes 0.23966 and 0.37585; TOPMed 0.42512; 1000 Genomes Project 30x 0.58377.
gnomAD v4.1: 308,984 of 1,208,505 alleles (26%); highest among the groups gnomAD compares: East Asian, 75%; 39,227 homozygotes.

Submissions (8):

Labcorp Genetics (formerly Invitae), Labcorp
Classification: Benign for Methylmalonic acidemia with homocystinuria, type cblX. Last evaluated: 2026-02-04. Review status: criteria provided, single submitter. Criteria: Invitae Variant Classification Sherloc (09022015). Collection method: clinical testing. Allele origin: germline.

Women's Health and Genetics/Laboratory Corporation of America, LabCorp
Classification: Benign. Last evaluated: 2025-11-14. Review status: criteria provided, single submitter. Criteria: LabCorp Variant Classification Summary - May 2015. Collection method: clinical testing. Allele origin: germline.

Mayo Clinic Laboratories, Mayo Clinic
Classification: Benign. Last evaluated: 2021-11-19. Review status: criteria provided, single submitter. Criteria: ACMG Guidelines, 2015. Collection method: clinical testing. Allele origin: germline. Observed: 303 variant alleles.

Genome-Nilou Lab
Classification: Benign for Methylmalonic acidemia with homocystinuria, type cblX. Last evaluated: 2021-08-10. Review status: criteria provided, single submitter. Criteria: ACMG Guidelines, 2015. Collection method: clinical testing. Allele origin: germline. Affected: no.

GeneDx
Classification: Benign. Last evaluated: 2015-12-02. Review status: criteria provided, single submitter. Criteria: GeneDx Variant Classification (06012015). Collection method: clinical testing. Allele origin: germline. Affected: yes.
Comment: This variant is considered likely benign or benign based on one or more of the following criteria: it is a conservative change, it occurs at a poorly conserved position in the protein, it is predicted to be benign by multiple in silico algorithms, and/or has population frequency not consistent with disease.

Eurofins Ntd Llc (ga)
Classification: Benign. Last evaluated: 2013-04-03. Review status: criteria provided, single submitter. Criteria: EGL Classification Definitions 2015. Collection method: clinical testing. Allele origin: germline. Observed: 7 variant alleles, 7 hemizygotes.

Breakthrough Genomics
Classification: Benign. Review status: criteria provided, single submitter. Criteria: ACMG Guidelines, 2015. Collection method: not provided. Allele origin: germline. Inheritance: X-linked inheritance. Affected: yes.

Genetic Services Laboratory, University of Chicago
Classification: Likely benign for AllHighlyPenetrant. Review status: no assertion criteria provided. Collection method: clinical testing. Allele origin: germline. Inheritance: X-linked inheritance. Not counted in ClinVar's aggregate classification.
Comment: Likely benign based on allele frequency in 1000 Genomes Project or ESP global frequency and its presence in a patient with a rare or unrelated disease phenotype. NOT Sanger confirmed.

NM_005334.3(HCFC1):c.2841A>G (p.Pro947=)

Gene: HCFC1 (host cell factor C1; minus strand). Cytogenetic location: Xq28.
Variant type: single nucleotide variant.
Coding change: c.2841A>G on transcript NM_005334.3 (MANE Select); coding-DNA position 2841, A replaced by G.
Protein change: p.Pro947=; no amino-acid change (proline 947 retained).
Molecular consequence: synonymous variant.
Genome position (GRCh38, 1-based): chrX:153,956,206, T>C on the plus strand (A>G on the coding strand, the complement: HCFC1 is on the minus strand). VCF-style: chrX-153956206-T-C. GRCh37 (hg19) VCF-style: chrX-153221657-T-C.
Other names: p.Pro947=.
Identifiers: ClinVar variation 95277 (VCV000095277.23), dbSNP rs730106, ClinGen allele CA148375.